The following is an entry in ClinVar:

ClinVar aggregate classification (germline): Uncertain significance (1 of 4 stars; one submission).

Conditions:
Ehlers-Danlos syndrome, type 4 (EDSVASC). Also called: Ehlers-Danlos syndrome vascular type; Ehlers Danlos syndrome, ecchymotic type; Ehlers Danlos syndrome, arterial type; Ehlers Danlos syndrome, Sack-Barabas type; Ehlers-Danlos Syndrome Type IV. Identifiers: Orphanet 286, MedGen C0268338, MONDO:0017314, OMIM 130050.

Submission:

All of Us Research Program, National Institutes of Health
Classification: Uncertain significance for Ehlers-Danlos syndrome, type 4. Last evaluated: 2024-03-24. Review status: criteria provided, single submitter. Criteria: ACMG Guidelines, 2015. Collection method: clinical testing. Allele origin: germline. Inheritance: Autosomal dominant inheritance. Observed: 1 variant allele, 1 heterozygote.
Comment: This missense variant replaces glycine with alanine at codon 748 of the COL3A1 protein. Computational prediction suggests that this variant may not impact protein structure and function (internally defined REVEL score threshold <= 0.5, PMID: 27666373). To our knowledge, functional studies have not been reported for this variant. This variant has not been reported in individuals affected with COL3A1-related disorders in the literature. This variant has not been identified in the general population by the Genome Aggregation Database (gnomAD). The available evidence is insufficient to determine the role of this variant in disease conclusively. Therefore, this variant is classified as a Variant of Uncertain Significance.

This study involves interpretation of variants in research participants for the purpose of population health screening. Participant phenotype was not available at the time of variant classification. Additional details can be found in publication PMID: 35346344, PMCID: PMC8962531

NM_000090.4(COL3A1):c.2243G>C (p.Gly748Ala)

Gene: COL3A1 (collagen type III alpha 1 chain; plus strand). Cytogenetic location: 2q32.2.
Variant type: single nucleotide variant.
Coding change: c.2243G>C on transcript NM_000090.4 (MANE Select); coding-DNA position 2243, G replaced by C.
Protein change: p.Gly748Ala; replaces glycine 748 with alanine.
Molecular consequence: missense variant.
Genome position (GRCh38, 1-based): chr2:188,999,855, G>C. VCF-style: chr2-188999855-G-C. GRCh37 (hg19) VCF-style: chr2-189864581-G-C.
Other names: short protein forms G748A.
Identifiers: ClinVar variation 3386464 (VCV003386464.1).